The following is an entry in ClinVar:

NM_020433.5(JPH2):c.290G>A (p.Arg97Gln)

Gene: JPH2 (junctophilin 2; minus strand). Cytogenetic location: 20q13.12.
Variant type: single nucleotide variant.
Coding change: c.290G>A on transcript NM_020433.5 (MANE Select); coding-DNA position 290, G replaced by A.
Protein change: p.Arg97Gln; replaces arginine 97 with glutamine.
Molecular consequence: missense variant.
Genome position (GRCh38, 1-based): chr20:44,186,416, C>T on the plus strand (G>A on the coding strand, the complement: JPH2 is on the minus strand). VCF-style: chr20-44186416-C-T. GRCh37 (hg19) VCF-style: chr20-42815056-C-T.
Other names: c.290G>A, p.Arg97Gln (NM_175913.4); short protein forms R97Q.
Identifiers: ClinVar variation 569274 (VCV000569274.10), dbSNP rs1188450169, ClinGen allele CA409095116.

ClinVar aggregate classification (germline): Uncertain significance. Review status: criteria provided, multiple submitters, no conflicts (2 of 4 stars). 3 submissions from 3 submitters: Uncertain significance (3). Last evaluated 2026-06-27.

Conditions:
Cardiovascular phenotype. Identifiers: MedGen CN230736.
Hypertrophic cardiomyopathy. Also called: HYPERTROPHIC MYOCARDIOPATHY. Identifiers: Orphanet 217569, MedGen C0007194, MeSH D002312, MONDO:0005045, HP:0001639.

Allele frequency attached by ClinVar (database versions not stated): gnomAD exomes below 0.00001; gnomAD 0.00001; TOPMed 0.00002.
gnomAD v4.1: 3 of 1,613,802 alleles (0.00019%); highest among the groups gnomAD compares: Admixed American, 0.0033%; no homozygotes.

Submissions (3):

Ambry Genetics
Classification: Uncertain significance for Cardiovascular phenotype. Last evaluated: 2026-06-27. Review status: criteria provided, single submitter. Criteria: Ambry Variant Classification Scheme 2023. Collection method: clinical testing. Allele origin: germline.
Comment: The p.R97Q variant (also known as c.290G>A), located in coding exon 1 of the JPH2 gene, results from a G to A substitution at nucleotide position 290. The arginine at codon 97 is replaced by glutamine, an amino acid with highly similar properties. This amino acid position is conserved. In addition, the in silico prediction for this alteration is inconclusive. Based on the available evidence, the clinical significance of this variant remains unclear.

Blueprint Genetics
Classification: Uncertain significance. Last evaluated: 2021-10-29. Review status: criteria provided, single submitter. Criteria: ACMG Guidelines, 2015. Collection method: clinical testing. Allele origin: germline.

Labcorp Genetics (formerly Invitae), Labcorp
Classification: Uncertain significance for Hypertrophic cardiomyopathy. Last evaluated: 2018-01-24. Review status: criteria provided, single submitter. Criteria: Invitae Variant Classification Sherloc (09022015). Collection method: clinical testing. Allele origin: germline.
Comment: In summary, the available evidence is currently insufficient to determine the role of this variant in disease. Therefore, it has been classified as a Variant of Uncertain Significance. Algorithms developed to predict the effect of missense changes on protein structure and function (SIFT, PolyPhen-2, Align-GVGD) all suggest that this variant is likely to be disruptive, but these predictions have not been confirmed by published functional studies and their clinical significance is uncertain. This variant has not been reported in the literature in individuals with JPH2-related disease. This variant is not present in population databases (ExAC no frequency). This sequence change replaces arginine with glutamine at codon 97 of the JPH2 protein (p.Arg97Gln). The arginine residue is highly conserved and there is a small physicochemical difference between arginine and glutamine.